The following is an entry in ClinVar:

NM_006005.3(WFS1):c.1699_1704dup (p.Phe568_Ala569insLeuPhe)

Gene: WFS1 (wolframin ER transmembrane glycoprotein; plus strand). Cytogenetic location: 4p16.1.
Variant type: Duplication.
Coding change: c.1699_1704dup on transcript NM_006005.3 (MANE Select); coding-DNA positions 1699 to 1704, 6 bases duplicated (CTCTTT; older notation c.1699_1704dupCTCTTT).
Protein change: p.Phe568_Ala569insLeuPhe.
Molecular consequence: inframe insertion.
Genome position (GRCh38, 1-based): chr4:6,301,494-6,301,499, CTCTTT duplicated. VCF-style (leftmost placement, unchanged base first): chr4-6301493-C-CCTCTTT. GRCh37 (hg19) VCF-style: chr4-6303220-C-CCTCTTT.
Other names: c.1699_1704dup, p.Phe568_Ala569insLeuPhe (NM_001145853.1).
Identifiers: ClinVar variation 2808359 (VCV002808359.3), dbSNP rs2474194604, ClinGen allele CA2669843449.

ClinVar aggregate classification (germline): Uncertain significance (1 of 4 stars; one submission).

Allele frequency attached by ClinVar (database versions not stated): gnomAD exomes below 0.00001.

Submission:

Labcorp Genetics (formerly Invitae), Labcorp
Classification: Uncertain significance. Last evaluated: 2023-06-03. Review status: criteria provided, single submitter. Criteria: Invitae Variant Classification Sherloc (09022015). Collection method: clinical testing. Allele origin: germline.
Comment: In summary, the available evidence is currently insufficient to determine the role of this variant in disease. Therefore, it has been classified as a Variant of Uncertain Significance. This variant has not been reported in the literature in individuals affected with WFS1-related conditions. This variant is not present in population databases (gnomAD no frequency). This variant, c.1699_1704dup, results in the insertion of 2 amino acid(s) of the WFS1 protein (p.Leu567_Phe568dup), but otherwise preserves the integrity of the reading frame.